The following is an entry in ClinVar:

NC_000008.11:g.(?_99111088)_(99170173_?)del

Gene: VPS13B (vacuolar protein sorting 13 homolog B; plus strand). Cytogenetic location: 8q22.2.
Variant type: Deletion.
Identifiers: ClinVar variation 831638 (VCV000831638.1).

ClinVar aggregate classification (germline): Pathogenic (1 of 4 stars; one submission).

Conditions:
Cohen syndrome (COH1). Also called: Cutis verticis gyrata, retinitis pigmentosa, and sensorineural deafness; PEPPER SYNDROME. Identifiers: Orphanet 193, MedGen C0265223, MONDO:0008999, OMIM 216550.

Submission:

Labcorp Genetics (formerly Invitae), Labcorp
Classification: Pathogenic for Cohen syndrome. Last evaluated: 2019-09-16. Review status: criteria provided, single submitter. Criteria: Invitae Variant Classification Sherloc (09022015). Collection method: clinical testing. Allele origin: germline.
Comment: This variant is an out-of-frame deletion of the genomic region encompassing exons 6-16 of the VPS13B gene. This is expected to create a premature translational stop signal and result in an absent or disrupted protein product. This variant has been observed to segregate with Cohen syndrome in a large family (PMID: 18655112). Loss-of-function variants in VPS13B are known to be pathogenic (PMID: 15141358, 16648375, 20461111). For these reasons, this variant has been classified as Pathogenic.

Literature cited by the submitters: PubMed 18655112.